The following is an entry in ClinVar:

ClinVar aggregate classification (germline): Uncertain significance (1 of 4 stars; one submission).

Submission:

Labcorp Genetics (formerly Invitae), Labcorp
Classification: Uncertain significance. Last evaluated: 2024-05-01. Review status: criteria provided, single submitter. Criteria: Invitae Variant Classification Sherloc (09022015). Collection method: clinical testing. Allele origin: germline.
Comment: This sequence change replaces glycine, which is neutral and non-polar, with arginine, which is basic and polar, at codon 73 of the MYH7B protein (p.Gly73Arg). This variant also falls at the last nucleotide of exon 5, which is part of the consensus splice site for this exon. This variant is present in population databases (rs747974897, gnomAD 0.003%). This variant has not been reported in the literature in individuals affected with MYH7B-related conditions. An algorithm developed to predict the effect of missense changes on protein structure and function (PolyPhen-2) suggests that this variant is likely to be disruptive. Variants that disrupt the consensus splice site are a relatively common cause of aberrant splicing (PMID: 17576681, 9536098). In summary, the available evidence is currently insufficient to determine the role of this variant in disease. Therefore, it has been classified as a Variant of Uncertain Significance.

Literature cited by the submitters: PubMed 17576681; PubMed 9536098.

NM_020884.7(MYH7B):c.91G>A (p.Gly31Arg)

Gene: MYH7B (myosin heavy chain 7B; plus strand). Cytogenetic location: 20q11.22.
Variant type: single nucleotide variant.
Coding change: c.91G>A on transcript NM_020884.7 (MANE Select); coding-DNA position 91, G replaced by A.
Protein change: p.Gly31Arg; replaces glycine 31 with arginine.
Molecular consequence: missense variant.
Genome position (GRCh38, 1-based): chr20:34,978,096, G>A. VCF-style: chr20-34978096-G-A. GRCh37 (hg19) VCF-style: chr20-33565899-G-A.
Other names: short protein forms G31R.
Identifiers: ClinVar variation 3715520 (VCV003715520.2).